The following is an entry in ClinVar:

NM_007294.4(BRCA1):c.4659G>C (p.Leu1553Phe)

Gene: BRCA1 (BRCA1 DNA repair associated; minus strand). Cytogenetic location: 17q21.31.
Variant type: single nucleotide variant.
Coding change: c.4659G>C on transcript NM_007294.4 (MANE Select); coding-DNA position 4659, G replaced by C.
Protein change: p.Leu1553Phe; replaces leucine 1553 with phenylalanine.
Molecular consequence: missense variant. On other transcripts: non-coding transcript variant (1).
Genome position (GRCh38, 1-based): chr17:43,074,347, C>G on the plus strand (G>C on the coding strand, the complement: BRCA1 is on the minus strand). VCF-style: chr17-43074347-C-G. GRCh37 (hg19) VCF-style: chr17-41226364-C-G.
Other names: c.4446G>C, p.Leu1482Phe (NM_001407571.1, NM_001407894.1, NM_001407895.1 and 12 more transcripts); c.4725G>C, p.Leu1575Phe (NM_001407581.1, NM_001407582.1); c.4722G>C, p.Leu1574Phe (NM_001407583.1, NM_001407585.1, NM_001407587.1 and 1 more transcripts); c.4719G>C, p.Leu1573Phe (NM_001407590.1, NM_001407591.1); c.4659G>C, p.Leu1553Phe (NM_001407593.1, NM_001407594.1, NM_001407596.1 and 8 more transcripts); c.4656G>C, p.Leu1552Phe (NM_001407610.1, NM_001407611.1, NM_001407622.1 and 17 more transcripts); c.4653G>C, p.Leu1551Phe (NM_001407627.1, NM_001407628.1, NM_001407629.1 and 14 more transcripts); c.4650G>C, p.Leu1550Phe (NM_001407644.1, NM_001407645.1); and 68 more; short protein forms L1256F, L1441F, L1463F, L1481F, L1482F, L1483F, L1486F, L1505F.
Identifiers: ClinVar variation 1742220 (VCV001742220.7), dbSNP rs2052588528, ClinGen allele CA10592195.
Genomic context (GRCh38, chr17:43,074,347, plus strand): 5'-GTAAAATCAAAGTGTTTGTTCCAATACAGCAGATGAAATATTACCTAGATCTTGCCTTGG[C>G]AAGTAAGATGTTTCCGTCAAATCGTGTGGCCCAGACTCTTCCAGCTGTTGCTCCTCCACA-3'
Protein context (NP_009225.1, residues 1543-1563): GPHDLTETSY[Leu1553Phe]PRQDLEGTPY

ClinVar aggregate classification (germline): Conflicting classifications of pathogenicity. Review status: criteria provided, conflicting classifications (1 of 4 stars). 3 submissions from 3 submitters: Uncertain significance (2); Likely benign (1). Last evaluated 2025-02-18.

Conditions:
Hereditary cancer-predisposing syndrome. Also called: Neoplastic Syndromes, Hereditary; Tumor predisposition; Hereditary neoplastic syndrome; Hereditary Cancer Syndrome. Identifiers: Orphanet 140162, MedGen C0027672, MeSH D009386, MONDO:0015356.
Hereditary breast ovarian cancer syndrome. Also called: Hereditary breast and ovarian cancer syndrome; Hereditary breast and ovarian cancer; Hereditary breast and ovarian cancer syndrome (HBOC); Breast and ovarian cancer; Hereditary breast and/or ovarian cancer syndrome; BRCA1- and BRCA2-Associated Hereditary Breast and Ovarian Cancer. Identifiers: Orphanet 145, MedGen C0677776, MeSH D061325, MONDO:0003582. Disease mechanism: loss of function.
Breast-ovarian cancer, familial, susceptibility to, 1 (BROVCA1). Also called: OVARIAN CANCER, SUSCEPTIBILITY TO; BRCA1 Hereditary Breast and Ovarian Cancer. Identifiers: Orphanet 145, MedGen C2676676, MONDO:0011450, OMIM 604370. Disease mechanism: loss of function.

Allele frequency attached by ClinVar (database versions not stated): TOPMed below 0.00001.

Submissions (3):

Myriad Genetics, Inc.
Classification: Likely benign for Breast-ovarian cancer, familial, susceptibility to, 1. Last evaluated: 2025-02-18. Review status: criteria provided, single submitter. Criteria: Myriad Autosomal Dominant, Autosomal Recessive and X-Linked Classification Criteria (2023). Collection method: clinical testing. Allele origin: unknown.
Comment: This variant is considered likely benign. This variant is strongly associated with less severe personal and family histories of cancer, typical for individuals without pathogenic variants in this gene [PMID: 25085752].

Ambry Genetics
Classification: Uncertain significance for Hereditary cancer-predisposing syndrome. Last evaluated: 2024-10-29. Review status: criteria provided, single submitter. Criteria: Ambry Variant Classification Scheme 2023. Collection method: clinical testing. Allele origin: germline.
Comment: The p.L1553F variant (also known as c.4659G>C), located in coding exon 13 of the BRCA1 gene, results from a G to C substitution at nucleotide position 4659. The leucine at codon 1553 is replaced by phenylalanine, an amino acid with highly similar properties. This amino acid position is conserved. In addition, this alteration is predicted to be deleterious by in silico analysis. Since supporting evidence is limited at this time, the clinical significance of this alteration remains unclear.

Labcorp Genetics (formerly Invitae), Labcorp
Classification: Uncertain significance for Hereditary breast ovarian cancer syndrome. Last evaluated: 2024-05-13. Review status: criteria provided, single submitter. Criteria: Invitae Variant Classification Sherloc (09022015). Collection method: clinical testing. Allele origin: germline.
Comment: This sequence change replaces leucine, which is neutral and non-polar, with phenylalanine, which is neutral and non-polar, at codon 1553 of the BRCA1 protein (p.Leu1553Phe). This variant is not present in population databases (gnomAD no frequency). This variant has not been reported in the literature in individuals affected with BRCA1-related conditions. ClinVar contains an entry for this variant (Variation ID: 1742220). Advanced modeling of protein sequence and biophysical properties (such as structural, functional, and spatial information, amino acid conservation, physicochemical variation, residue mobility, and thermodynamic stability) has been performed at Invitae for this missense variant, however the output from this modeling did not meet the statistical confidence thresholds required to predict the impact of this variant on BRCA1 protein function. In summary, the available evidence is currently insufficient to determine the role of this variant in disease. Therefore, it has been classified as a Variant of Uncertain Significance.

Literature cited by the submitters: PubMed 25085752 (cited by Myriad Genetics, Inc.).